The following is an entry in ClinVar:

NM_182916.3(TRNT1):c.716G>C (p.Trp239Ser)

Gene: TRNT1 (tRNA nucleotidyl transferase 1; plus strand). Cytogenetic location: 3p26.2.
Variant type: single nucleotide variant.
Coding change: c.716G>C on transcript NM_182916.3 (MANE Select); coding-DNA position 716, G replaced by C.
Protein change: p.Trp239Ser; replaces tryptophan 239 with serine.
Molecular consequence: missense variant. On other transcripts: non-coding transcript variant (6).
Genome position (GRCh38, 1-based): chr3:3,146,537, G>C. VCF-style: chr3-3146537-G-C. GRCh37 (hg19) VCF-style: chr3-3188221-G-C.
Other names: c.716G>C, p.Trp239Ser (NM_001302946.2, NM_001367321.1, NM_001367322.1 and 1 more transcripts); short protein forms W239S.
Identifiers: ClinVar variation 963696 (VCV000963696.5), dbSNP rs753464075, ClinGen allele CA2228761.
Genomic context (GRCh38, chr3:3,146,537, plus strand): 5'-CTTTGGAAGCAATTGCAGAAAATGCAAAAGGCTTGGCTGGAATATCAGGAGAAAGGATTT[G>C]GGTGGAACTGAAAAAAATTCTTGTTGGTAACCATGTAAATCATTTGATTCACCTTATCTA-3'
Protein context (NP_886552.3, residues 229-249): GLAGISGERI[Trp239Ser]VELKKILVGN

ClinVar aggregate classification (germline): Uncertain significance (1 of 4 stars; one submission).

Conditions:
Congenital sideroblastic anemia-B-cell immunodeficiency-periodic fever-developmental delay syndrome. Also called: Sideroblastic anemia with B-cell immunodeficiency, periodic fevers, and developmental delay. Identifiers: Orphanet 369861, MedGen C4015172, MONDO:0014487, OMIM 616084.

Allele frequency attached by ClinVar (database versions not stated): gnomAD exomes 0.00001; ExAC 0.00002.
gnomAD v4.1: 11 of 1,613,998 alleles (0.00068%); highest among the groups gnomAD compares: Non-Finnish European, 0.00085%; no homozygotes.

Submission:

Labcorp Genetics (formerly Invitae), Labcorp
Classification: Uncertain significance for Congenital sideroblastic anemia-B-cell immunodeficiency-periodic fever-developmental delay syndrome. Last evaluated: 2024-10-15. Review status: criteria provided, single submitter. Criteria: Invitae Variant Classification Sherloc (09022015). Collection method: clinical testing. Allele origin: germline.
Comment: This sequence change replaces tryptophan, which is neutral and slightly polar, with serine, which is neutral and polar, at codon 239 of the TRNT1 protein (p.Trp239Ser). This variant is present in population databases (rs753464075, gnomAD 0.002%). This variant has not been reported in the literature in individuals affected with TRNT1-related conditions. ClinVar contains an entry for this variant (Variation ID: 963696). Invitae Evidence Modeling of protein sequence and biophysical properties (such as structural, functional, and spatial information, amino acid conservation, physicochemical variation, residue mobility, and thermodynamic stability) indicates that this missense variant is expected to disrupt TRNT1 protein function with a positive predictive value of 80%. In summary, the available evidence is currently insufficient to determine the role of this variant in disease. Therefore, it has been classified as a Variant of Uncertain Significance.